The following is an entry in ClinVar:

NM_012123.4(MTO1):c.1405C>T (p.Arg469Ter)

Gene: MTO1 (mitochondrial tRNA translation optimization 1; plus strand). Cytogenetic location: 6q13.
Variant type: single nucleotide variant.
Coding change: c.1405C>T on transcript NM_012123.4 (MANE Select); coding-DNA position 1405, C replaced by T.
Protein change: p.Arg469Ter; replaces arginine 469 with a stop codon.
Molecular consequence: nonsense.
Genome position (GRCh38, 1-based): chr6:73,482,184, C>T. VCF-style: chr6-73482184-C-T. GRCh37 (hg19) VCF-style: chr6-74191907-C-T.
Other names: c.1525C>T, p.Arg509Ter (NM_001123226.2); c.1480C>T, p.Arg494Ter (NM_133645.3); short protein forms R494*, R469*, R509*.
Identifiers: ClinVar variation 1445028 (VCV001445028.9), dbSNP rs764848745, ClinGen allele CA3889635.
Genomic context (GRCh38, chr6:73,482,184, plus strand): 5'-GTCTTGATTGATGACCTCACTACTCTGGGCACCAGTGAACCATACCGCATGTTTACCAGC[C>T]GAGTAGAGTTCCGTTTGTCACTGCGCCCTGATAATGCTGACAGCCGGCTCACACTGCGAG-3'

ClinVar aggregate classification (germline): Pathogenic/Likely pathogenic. Review status: criteria provided, multiple submitters, no conflicts (2 of 4 stars). 3 submissions from 3 submitters: Pathogenic (1); Likely pathogenic (2). Last evaluated 2025-08-14.

Conditions:
MTO1-related disorder. Also called: MTO1-related condition.
Mitochondrial hypertrophic cardiomyopathy with lactic acidosis due to MTO1 deficiency. Also called: Combined oxidative phosphorylation deficiency 10; CARDIOMYOPATHY, INFANTILE HYPERTROPHIC MITOCHONDRIAL, AND LACTIC ACIDOSIS. Identifiers: Orphanet 314637, MedGen C4749921, MONDO:0013865, OMIM 614702.

Allele frequency attached by ClinVar (database versions not stated): gnomAD 0.00001; gnomAD exomes 0.00001; ExAC 0.00002; TOPMed 0.00003.
gnomAD v4.1: 15 of 1,614,012 alleles (0.00093%); highest among the groups gnomAD compares: African/African-American, 0.0013%; no homozygotes.

Submissions (3):

Labcorp Genetics (formerly Invitae), Labcorp
Classification: Pathogenic for Mitochondrial hypertrophic cardiomyopathy with lactic acidosis due to MTO1 deficiency. Last evaluated: 2025-08-14. Review status: criteria provided, single submitter. Criteria: Invitae Variant Classification Sherloc (09022015). Collection method: clinical testing. Allele origin: germline.
Comment: This sequence change creates a premature translational stop signal (p.Arg469*) in the MTO1 gene. It is expected to result in an absent or disrupted protein product. Loss-of-function variants in MTO1 are known to be pathogenic (PMID: 22608499, 25058219). This variant is present in population databases (rs764848745, gnomAD 0.007%). This variant has not been reported in the literature in individuals affected with MTO1-related conditions. ClinVar contains an entry for this variant (Variation ID: 1445028). Algorithms developed to predict the effect of sequence changes on RNA splicing suggest that this variant may disrupt the consensus splice site. For these reasons, this variant has been classified as Pathogenic.

Blueprint Genetics
Classification: Likely pathogenic for MTO1-related disorders. Last evaluated: 2024-05-20. Review status: criteria provided, single submitter. Criteria: ACMG Guidelines, 2015. Collection method: clinical testing. Allele origin: germline. Affected: yes. Observed: 2 variant alleles.

Juno Genomics, Hangzhou Juno Genomics, Inc
Classification: Likely pathogenic for Mitochondrial hypertrophic cardiomyopathy with lactic acidosis due to MTO1 deficiency. Review status: criteria provided, single submitter. Criteria: ACMG Guidelines, 2015. Collection method: clinical testing. Allele origin: germline. Affected: yes.
Comment: Null variant in a gene where loss of function (LOF) is a known mechanism of disease.;Absent from controls (or at extremely low frequency if recessive) in Genome Aggregation Database, Exome Sequencing Project, 1000 Genomes Project, or Exome Aggregation Consortium.

Literature cited by the submitters: PubMed 22608499 (cited by Labcorp Genetics (formerly Invitae), Labcorp); PubMed 25058219 (cited by Labcorp Genetics (formerly Invitae), Labcorp).